The following is an entry in ClinVar:

NC_000023.10:g.(?_32632400)_(33038337_?)dup

Gene: DMD (dystrophin; minus strand). Cytogenetic location: Xp21.1.
Variant type: Duplication.
Identifiers: ClinVar variation 1459203 (VCV001459203.5).

ClinVar aggregate classification (germline): Pathogenic (1 of 4 stars; one submission).

Conditions:
Duchenne muscular dystrophy (DMD). Also called: Duchenne Muscular Dystrophy (DMD); MUSCULAR DYSTROPHY, PSEUDOHYPERTROPHIC PROGRESSIVE, DUCHENNE TYPE. Identifiers: Orphanet 98896, MedGen C0013264, MONDO:0010679, OMIM 310200.

Submission:

Labcorp Genetics (formerly Invitae), Labcorp
Classification: Pathogenic for Duchenne muscular dystrophy. Last evaluated: 2023-05-22. Review status: criteria provided, single submitter. Criteria: Invitae Variant Classification Sherloc (09022015). Collection method: clinical testing. Allele origin: germline.
Comment: For these reasons, this variant has been classified as Pathogenic. A similar copy number variant has been observed in individuals with DMD-related muscular dystrophy (PMID: 17259292, 19367636). This variant results in a copy number gain of the genomic region encompassing exon(s) 2-12 of the DMD gene. While the exact position of this variant cannot be determined from the data, sub-genic copy number gains are generally in tandem (PMID: 25640679). This variant is predicted to be out-of-frame, and may result in an absent or disrupted protein product. Loss-of-function variants in DMD are known to be pathogenic (PMID: 16770791, 25007885).

Literature cited by the submitters: PubMed 17259292; PubMed 19367636; PubMed 25640679; PubMed 16770791; PubMed 25007885.